The following is an entry in ClinVar:

NM_000044.6(AR):c.2437C>T (p.Leu813Phe)

Gene: AR (androgen receptor; plus strand). Cytogenetic location: Xq12.
Variant type: single nucleotide variant.
Coding change: c.2437C>T on transcript NM_000044.6 (MANE Select); coding-DNA position 2437, C replaced by T.
Protein change: p.Leu813Phe; replaces leucine 813 with phenylalanine.
Molecular consequence: missense variant.
Genome position (GRCh38, 1-based): chrX:67,721,951, C>T. VCF-style: chrX-67721951-C-T. GRCh37 (hg19) VCF-style: chrX-66941793-C-T.
Other names: c.841C>T, p.Leu281Phe (NM_001011645.3); short protein forms L813F, L281F.
Identifiers: ClinVar variation 492797 (VCV000492797.11), dbSNP rs1555997625, ClinGen allele CA413427066.
Genomic context (GRCh38, chrX:67,721,951, plus strand): 5'-CAAGAGTTTGGATGGCTCCAAATCACCCCCCAGGAATTCCTGTGCATGAAAGCACTGCTA[C>T]TCTTCAGCATTAGTAAGTGCCTAGAAGTGCAGGGAATGCCCCCTGAGGGCACAGAGATTC-3'
Protein context (NP_000035.2, residues 803-823): QEFLCMKALL[Leu813Phe]FSIIPVDGLK

ClinVar aggregate classification (germline): Uncertain significance. Review status: criteria provided, single submitter (1 of 4 stars). 2 submissions from 2 submitters: Uncertain significance (1). 1 of the submissions does not count toward it. Last evaluated 2019-02-10.

Conditions:
Androgen resistance syndrome (AIS). Also called: Androgen insensitivity, complete; Androgen insensitivity syndrome; DHTR DEFICIENCY; ANDROGEN RECEPTOR DEFICIENCY; DIHYDROTESTOSTERONE RECEPTOR DEFICIENCY; TESTICULAR FEMINIZATION SYNDROME. Identifiers: Orphanet 754, Orphanet 99429, MedGen C0039585, MONDO:0019154, OMIM 300068. Disease mechanism: loss of function.
Kennedy disease (SMAX1). Also called: Spinal and Bulbar Muscular Atrophy; SPINAL AND BULBAR MUSCULAR ATROPHY, X-LINKED 1; KENNEDY SPINAL AND BULBAR MUSCULAR ATROPHY. Identifiers: Orphanet 481, MedGen C1839259, MONDO:0010735, OMIM 313200.

Submissions (2):

Labcorp Genetics (formerly Invitae), Labcorp
Classification: Uncertain significance for Kennedy disease; Androgen resistance syndrome. Last evaluated: 2019-02-10. Review status: criteria provided, single submitter. Criteria: Invitae Variant Classification Sherloc (09022015). Collection method: clinical testing. Allele origin: germline.
Comment: In summary, the available evidence is currently insufficient to determine the role of this variant in disease. Therefore, it has been classified as a Variant of Uncertain Significance. Algorithms developed to predict the effect of missense changes on protein structure and function (SIFT, PolyPhen-2, Align-GVGD) all suggest that this variant is likely to be tolerated, but these predictions have not been confirmed by published functional studies and their clinical significance is uncertain. This variant has been observed in an individual affected with a partial form of androgen insensitivity syndrome (PMID: 10458483). This variant is also known as p.Leu812Phe in the literature. ClinVar contains an entry for this variant (Variation ID:492797). This variant is not present in population databases (ExAC no frequency). This sequence change replaces leucine with phenylalanine at codon 813 of the AR protein (p.Leu813Phe). The leucine residue is moderately conserved and there is a small physicochemical difference between leucine and phenylalanine.

Clinical Molecular Genetics Laboratory, Johns Hopkins All Children's Hospital
Classification: Pathogenic for Androgen resistance syndrome. Last evaluated: 2016-04-25. Review status: no assertion criteria provided. Collection method: clinical testing. Allele origin: germline. Affected: yes. Not counted in ClinVar's aggregate classification.

Literature cited by the submitters: PubMed 10458483 (cited by Labcorp Genetics (formerly Invitae), Labcorp).